The following is an entry in ClinVar:

ClinVar aggregate classification (germline): Uncertain significance. Review status: criteria provided, multiple submitters, no conflicts (2 of 4 stars). 2 submissions from 2 submitters: Uncertain significance (2). Last evaluated 2022-05-01.

Conditions:
Giant axonal neuropathy 1 (GAN1). Also called: GIANT AXONAL NEUROPATHY 1, AUTOSOMAL RECESSIVE; GAN-Related Neurodegeneration. Identifiers: Orphanet 643, MedGen C1850386, MONDO:0009749, OMIM 256850.

Allele frequency attached by ClinVar (database versions not stated): gnomAD 0.00001; ExAC 0.00002; TOPMed 0.00002.
gnomAD v4.1: 30 of 1,612,896 alleles (0.0019%); highest among the groups gnomAD compares: Non-Finnish European, 0.00034%; no homozygotes.

Submissions (2):

Labcorp Genetics (formerly Invitae), Labcorp
Classification: Uncertain significance for Giant axonal neuropathy 1. Last evaluated: 2022-05-01. Review status: criteria provided, single submitter. Criteria: Invitae Variant Classification Sherloc (09022015). Collection method: clinical testing. Allele origin: germline.
Comment: This sequence change replaces methionine, which is neutral and non-polar, with leucine, which is neutral and non-polar, at codon 375 of the GAN protein (p.Met375Leu). This variant is present in population databases (rs201252856, gnomAD 0.09%). This variant has not been reported in the literature in individuals affected with GAN-related conditions. ClinVar contains an entry for this variant (Variation ID: 888320). Algorithms developed to predict the effect of missense changes on protein structure and function (SIFT, PolyPhen-2, Align-GVGD) all suggest that this variant is likely to be tolerated. Algorithms developed to predict the effect of sequence changes on RNA splicing suggest that this variant may disrupt the consensus splice site. In summary, the available evidence is currently insufficient to determine the role of this variant in disease. Therefore, it has been classified as a Variant of Uncertain Significance.

Illumina Laboratory Services, Illumina
Classification: Uncertain significance for Giant axonal neuropathy 1. Last evaluated: 2018-01-13. Review status: criteria provided, single submitter. Criteria: ICSL Variant Classification Criteria 13 December 2019. Collection method: clinical testing. Allele origin: germline.

NM_022041.4(GAN):c.1123A>T (p.Met375Leu)

Gene: GAN (gigaxonin; plus strand). Cytogenetic location: 16q23.2.
Variant type: single nucleotide variant.
Coding change: c.1123A>T on transcript NM_022041.4 (MANE Select); coding-DNA position 1123, A replaced by T.
Protein change: p.Met375Leu; replaces methionine 375 with leucine.
Molecular consequence: missense variant.
Genome position (GRCh38, 1-based): chr16:81,363,830, A>T. VCF-style: chr16-81363830-A-T. GRCh37 (hg19) VCF-style: chr16-81397435-A-T.
Other names: c.484A>T, p.Met162Leu (NM_001377486.1); short protein forms M375L, M162L.
Identifiers: ClinVar variation 888320 (VCV000888320.9), dbSNP rs201252856, ClinGen allele CA8191630.